The following is an entry in ClinVar:

NM_002755.4(MAP2K1):c.830G>C (p.Cys277Ser)

Gene: MAP2K1 (mitogen-activated protein kinase kinase 1; plus strand). Cytogenetic location: 15q22.31.
Variant type: single nucleotide variant.
Coding change: c.830G>C on transcript NM_002755.4 (MANE Select); coding-DNA position 830, G replaced by C.
Protein change: p.Cys277Ser; replaces cysteine 277 with serine.
Molecular consequence: missense variant.
Genome position (GRCh38, 1-based): chr15:66,485,126, G>C. VCF-style: chr15-66485126-G-C. GRCh37 (hg19) VCF-style: chr15-66777464-G-C.
Other names: c.686G>C, p.Cys229Ser (NM_001411065.1); short protein forms C277S, C229S.
Identifiers: ClinVar variation 3716104 (VCV003716104.2).

ClinVar aggregate classification (germline): Uncertain significance (1 of 4 stars; one submission).

Conditions:
RASopathy. Also called: rasopathies; Noonan spectrum disorder. Identifiers: Orphanet 536391, MedGen C5555857, MONDO:0021060.

Submission:

Labcorp Genetics (formerly Invitae), Labcorp
Classification: Uncertain significance for RASopathy. Last evaluated: 2024-07-19. Review status: criteria provided, single submitter. Criteria: Invitae Variant Classification Sherloc (09022015). Collection method: clinical testing. Allele origin: germline.
Comment: This sequence change replaces cysteine, which is neutral and slightly polar, with serine, which is neutral and polar, at codon 277 of the MAP2K1 protein (p.Cys277Ser). This variant is not present in population databases (gnomAD no frequency). This variant has not been reported in the literature in individuals affected with MAP2K1-related conditions. Advanced modeling of protein sequence and biophysical properties (such as structural, functional, and spatial information, amino acid conservation, physicochemical variation, residue mobility, and thermodynamic stability) performed at Invitae indicates that this missense variant is not expected to disrupt MAP2K1 protein function with a negative predictive value of 95%. In summary, the available evidence is currently insufficient to determine the role of this variant in disease. Therefore, it has been classified as a Variant of Uncertain Significance.